The following is an entry in ClinVar:

NM_000834.5(GRIN2B):c.3221A>T (p.Glu1074Val)

Gene: GRIN2B (glutamate ionotropic receptor NMDA type subunit 2B; minus strand). Cytogenetic location: 12p13.1.
Variant type: single nucleotide variant.
Coding change: c.3221A>T on transcript NM_000834.5 (MANE Select); coding-DNA position 3221, A replaced by T.
Protein change: p.Glu1074Val; replaces glutamic acid 1074 with valine.
Molecular consequence: missense variant.
Genome position (GRCh38, 1-based): chr12:13,564,017, T>A on the plus strand (A>T on the coding strand, the complement: GRIN2B is on the minus strand). VCF-style: chr12-13564017-T-A. GRCh37 (hg19) VCF-style: chr12-13716951-T-A.
Other names: c.3221A>T, p.Glu1074Val (NM_001413992.1); short protein forms E1074V.
Identifiers: ClinVar variation 2012630 (VCV002012630.4), dbSNP rs2497469595, ClinGen allele CA383990383.

ClinVar aggregate classification (germline): Uncertain significance (1 of 4 stars; one submission).

Conditions:
Developmental and epileptic encephalopathy, 27 (DEE27). Also called: GRIN2B-Related Neurodevelopmental Disorder; Epileptic encephalopathy, early infantile, 27. Identifiers: Orphanet 3451, MedGen C4015316, MONDO:0014505, OMIM 616139.
Intellectual developmental disorder, autosomal dominant 6, with or without seizures. Also called: GRIN2B-related developmental delay, intellectual disability and autism spectrum disorder; Intellectual disability, autosomal dominant 6. Identifiers: Orphanet 589547, MedGen C3151411, MONDO:0013509, OMIM 613970.

Submission:

Labcorp Genetics (formerly Invitae), Labcorp
Classification: Uncertain significance for Developmental and epileptic encephalopathy, 27; Intellectual developmental disorder, autosomal dominant 6, with or without seizures. Last evaluated: 2022-07-01. Review status: criteria provided, single submitter. Criteria: Invitae Variant Classification Sherloc (09022015). Collection method: clinical testing. Allele origin: germline.
Comment: In summary, the available evidence is currently insufficient to determine the role of this variant in disease. Therefore, it has been classified as a Variant of Uncertain Significance. Algorithms developed to predict the effect of missense changes on protein structure and function are either unavailable or do not agree on the potential impact of this missense change (SIFT: "Deleterious"; PolyPhen-2: "Probably Damaging"; Align-GVGD: "Class C0"). This variant has not been reported in the literature in individuals affected with GRIN2B-related conditions. This variant is not present in population databases (gnomAD no frequency). This sequence change replaces glutamic acid, which is acidic and polar, with valine, which is neutral and non-polar, at codon 1074 of the GRIN2B protein (p.Glu1074Val).